The following is an entry in ClinVar:

NM_017514.5(PLXNA3):c.304A>G (p.Ile102Val)

Gene: PLXNA3 (plexin A3; plus strand). Cytogenetic location: Xq28.
Variant type: single nucleotide variant.
Coding change: c.304A>G on transcript NM_017514.5 (MANE Select); coding-DNA position 304, A replaced by G.
Protein change: p.Ile102Val; replaces isoleucine 102 with valine.
Molecular consequence: missense variant.
Genome position (GRCh38, 1-based): chrX:154,460,487, A>G. VCF-style: chrX-154460487-A-G. GRCh37 (hg19) VCF-style: chrX-153688827-A-G.
Other names: short protein forms I102V.
Identifiers: ClinVar variation 3215562 (VCV003215562.2), dbSNP rs2523062090, ClinGen allele CA415227267.

ClinVar aggregate classification (germline): Uncertain significance. Review status: criteria provided, single submitter (1 of 4 stars). 2 submissions from 2 submitters: Uncertain significance (1). 1 of the submissions does not count toward it. Last evaluated 2024-02-12.

Conditions:
PLXNA3-related disorder. Also called: PLXNA3-related condition.

Allele frequency attached by ClinVar (database versions not stated): gnomAD exomes below 0.00001.
gnomAD v4.1: 1 of 1,209,502 alleles (0.000083%); highest among the groups gnomAD compares: Non-Finnish European, 0.00011%; no homozygotes.

Submissions (2):

Ambry Genetics
Classification: Uncertain significance. Last evaluated: 2024-02-12. Review status: criteria provided, single submitter. Criteria: Ambry Variant Classification Scheme 2023. Collection method: clinical testing. Allele origin: germline.

PreventionGenetics, part of Exact Sciences
Classification: Uncertain significance for PLXNA3-related condition. Last evaluated: 2024-06-04. Review status: no assertion criteria provided. Collection method: clinical testing. Allele origin: germline. Not counted in ClinVar's aggregate classification.
Comment: The PLXNA3 c.304A>G variant is predicted to result in the amino acid substitution p.Ile102Val. To our knowledge, this variant has not been reported in the literature or in a large population database, indicating this variant is rare. At this time, the clinical significance of this variant is uncertain due to the absence of conclusive functional and genetic evidence.